The following is an entry in ClinVar:

ClinVar aggregate classification (germline): Uncertain significance (1 of 4 stars; one submission).

Allele frequency attached by ClinVar (database versions not stated): gnomAD exomes below 0.00001; gnomAD 0.00001.
gnomAD v4.1: 3 of 1,614,032 alleles (0.00019%); highest among the groups gnomAD compares: African/African-American, 0.004%; no homozygotes.

Submission:

Labcorp Genetics (formerly Invitae), Labcorp
Classification: Uncertain significance. Last evaluated: 2022-06-01. Review status: criteria provided, single submitter. Criteria: Invitae Variant Classification Sherloc (09022015). Collection method: clinical testing. Allele origin: germline.
Comment: In summary, the available evidence is currently insufficient to determine the role of this variant in disease. Therefore, it has been classified as a Variant of Uncertain Significance. Algorithms developed to predict the effect of missense changes on protein structure and function are either unavailable or do not agree on the potential impact of this missense change (SIFT: "Deleterious"; PolyPhen-2: "Probably Damaging"; Align-GVGD: "Class C0"). This variant has not been reported in the literature in individuals affected with LRP2-related conditions. This variant is present in population databases (no rsID available, gnomAD 0.02%). This sequence change replaces glutamic acid, which is acidic and polar, with aspartic acid, which is acidic and polar, at codon 2814 of the LRP2 protein (p.Glu2814Asp).

NM_004525.3(LRP2):c.8442G>T (p.Glu2814Asp)

Gene: LRP2 (LDL receptor related protein 2; minus strand). Cytogenetic location: 2q31.1.
Variant type: single nucleotide variant.
Coding change: c.8442G>T on transcript NM_004525.3 (MANE Select); coding-DNA position 8442, G replaced by T.
Protein change: p.Glu2814Asp; replaces glutamic acid 2814 with aspartic acid.
Molecular consequence: missense variant.
Genome position (GRCh38, 1-based): chr2:169,201,638, C>A on the plus strand (G>T on the coding strand, the complement: LRP2 is on the minus strand). VCF-style: chr2-169201638-C-A. GRCh37 (hg19) VCF-style: chr2-170058148-C-A.
Other names: short protein forms E2814D.
Identifiers: ClinVar variation 1999577 (VCV001999577.2), dbSNP rs1353621100, ClinGen allele CA349165103.